The following is an entry in ClinVar:

ClinVar aggregate classification (germline): Likely benign. Review status: criteria provided, multiple submitters, no conflicts (2 of 4 stars). 3 submissions from 3 submitters: Likely benign (3). Last evaluated 2025-11-11.

Conditions:
Chédiak-Higashi syndrome (CHS). Also called: Chediak-Higashi Syndrome. Identifiers: Orphanet 167, MedGen C0007965, MONDO:0008963, OMIM 214500.

Allele frequency attached by ClinVar (database versions not stated): ExAC 0.00003; gnomAD 0.00003 and 0.00004; gnomAD exomes 0.00003 and 0.00004; TOPMed 0.00005.
gnomAD v4.1: 49 of 1,612,500 alleles (0.003%); highest among the groups gnomAD compares: Non-Finnish European, 0.0033%; no homozygotes.

Submissions (3):

Labcorp Genetics (formerly Invitae), Labcorp
Classification: Likely benign for Chédiak-Higashi syndrome. Last evaluated: 2025-11-11. Review status: criteria provided, single submitter. Criteria: Invitae Variant Classification Sherloc (09022015). Collection method: clinical testing. Allele origin: germline.

Blueprint Genetics
Classification: Likely benign. Last evaluated: 2024-05-07. Review status: criteria provided, single submitter. Criteria: ACMG Guidelines, 2015. Collection method: clinical testing. Allele origin: germline.

CeGaT Center for Human Genetics Tuebingen
Classification: Likely benign. Last evaluated: 2022-04-01. Review status: criteria provided, single submitter. Criteria: CeGaT Center For Human Genetics Tuebingen Variant Classification Criteria Version 2. Collection method: clinical testing. Allele origin: germline. Affected: yes. Observed: 1 variant allele.
Comment: LYST: BP4, BP7

NM_000081.4(LYST):c.5061T>C (p.Tyr1687=)

Gene: LYST (lysosomal trafficking regulator; minus strand). Cytogenetic location: 1q42.3.
Variant type: single nucleotide variant.
Coding change: c.5061T>C on transcript NM_000081.4 (MANE Select); coding-DNA position 5061, T replaced by C.
Protein change: p.Tyr1687=; no amino-acid change (tyrosine 1687 retained).
Molecular consequence: synonymous variant.
Genome position (GRCh38, 1-based): chr1:235,781,018, A>G on the plus strand (T>C on the coding strand, the complement: LYST is on the minus strand). VCF-style: chr1-235781018-A-G. GRCh37 (hg19) VCF-style: chr1-235944318-A-G.
Other names: c.5061T>C, p.Tyr1687= (NM_001301365.1).
Identifiers: ClinVar variation 767443 (VCV000767443.34), dbSNP rs80338658, ClinGen allele CA1466695.